The following is an entry in ClinVar:

NM_001376.5(DYNC1H1):c.4196T>A (p.Leu1399Gln)

Gene: DYNC1H1 (dynein cytoplasmic 1 heavy chain 1; plus strand). Cytogenetic location: 14q32.31.
Variant type: single nucleotide variant.
Coding change: c.4196T>A on transcript NM_001376.5 (MANE Select); coding-DNA position 4196, T replaced by A.
Protein change: p.Leu1399Gln; replaces leucine 1399 with glutamine.
Molecular consequence: missense variant.
Genome position (GRCh38, 1-based): chr14:102,001,155, T>A. VCF-style: chr14-102001155-T-A. GRCh37 (hg19) VCF-style: chr14-102467492-T-A.
Other names: c.4196T>A (NM_001376.4); short protein forms L1399Q.
Identifiers: ClinVar variation 1036871 (VCV001036871.10), dbSNP rs2048126271, ClinGen allele CA391039986.

ClinVar aggregate classification (germline): Uncertain significance. Review status: criteria provided, multiple submitters, no conflicts (2 of 4 stars). 2 submissions from 2 submitters: Uncertain significance (2). Last evaluated 2025-04-14.

Conditions:
Charcot-Marie-Tooth disease axonal type 2O. Also called: CHARCOT-MARIE-TOOTH NEUROPATHY, AXONAL, TYPE 2O; CHARCOT-MARIE-TOOTH DISEASE, AXONAL, AUTOSOMAL DOMINANT, TYPE 2O; Charcot-Marie-Tooth disease, axonal, type 20; Charcot-Marie-Tooth Neuropathy Type 2O. Identifiers: Orphanet 284232, MedGen C3280220, MONDO:0013644, OMIM 614228.
Inborn genetic diseases. Identifiers: MedGen C0950123, MeSH D030342.

Allele frequency attached by ClinVar (database versions not stated): TOPMed below 0.00001.

Submissions (2):

Ambry Genetics
Classification: Uncertain significance for Inborn genetic diseases. Last evaluated: 2025-04-14. Review status: criteria provided, single submitter. Criteria: Ambry Variant Classification Scheme 2023. Collection method: clinical testing. Allele origin: germline.
Comment: The c.4196T>A (p.L1399Q) alteration is located in exon 20 (coding exon 20) of the DYNC1H1 gene. This alteration results from a T to A substitution at nucleotide position 4196, causing the leucine (L) at amino acid position 1399 to be replaced by a glutamine (Q). This variant was not reported in population-based cohorts in the Genome Aggregation Database (gnomAD). This amino acid position is highly conserved in available vertebrate species. This amino acid alteration is predicted to be deleterious by in silico analysis. Additionally, in silico splice site analysis predicts that this nucleotide alteration may result in the creation or strengthening of a novel splice acceptor site. Based on insufficient or conflicting evidence, the clinical significance of this alteration remains unclear.

Labcorp Genetics (formerly Invitae), Labcorp
Classification: Uncertain significance for Charcot-Marie-Tooth disease axonal type 2O. Last evaluated: 2020-09-04. Review status: criteria provided, single submitter. Criteria: Invitae Variant Classification Sherloc (09022015). Collection method: clinical testing. Allele origin: germline.
Comment: Algorithms developed to predict the effect of missense changes on protein structure and function are either unavailable or do not agree on the potential impact of this missense change (SIFT: "Deleterious"; PolyPhen-2: "Probably Damaging"; Align-GVGD: "Class C0"). In summary, the available evidence is currently insufficient to determine the role of this variant in disease. Therefore, it has been classified as a Variant of Uncertain Significance. Algorithms developed to predict the effect of sequence changes on RNA splicing suggest that this variant may create or strengthen a splice site, but this prediction has not been confirmed by published transcriptional studies. This variant has not been reported in the literature in individuals with DYNC1H1-related conditions. This variant is not present in population databases (ExAC no frequency). This sequence change replaces leucine with glutamine at codon 1399 of the DYNC1H1 protein (p.Leu1399Gln). The leucine residue is highly conserved and there is a moderate physicochemical difference between leucine and glutamine.